The following is an entry in ClinVar:

NM_020738.4(KIDINS220):c.3234G>A (p.Ala1078=)

Gene: KIDINS220 (kinase D interacting substrate 220; minus strand). Cytogenetic location: 2p25.1.
Variant type: single nucleotide variant.
Coding change: c.3234G>A on transcript NM_020738.4 (MANE Select); coding-DNA position 3234, G replaced by A.
Protein change: p.Ala1078=; no amino-acid change (alanine 1078 retained).
Molecular consequence: synonymous variant. On other transcripts: non-coding transcript variant (2).
Genome position (GRCh38, 1-based): chr2:8,750,292, C>T on the plus strand (G>A on the coding strand, the complement: KIDINS220 is on the minus strand). VCF-style: chr2-8750292-C-T. GRCh37 (hg19) VCF-style: chr2-8890422-C-T.
Other names: c.3237G>A, p.Ala1079= (NM_001348729.2, NM_001348731.2, NM_001348734.2 and 2 more transcripts); c.3234G>A, p.Ala1078= (NM_001348732.2, NM_001348735.2, NM_001348738.2 and 3 more transcripts); c.3108G>A, p.Ala1036= (NM_001348736.2).
Identifiers: ClinVar variation 3351728 (VCV003351728.2).

ClinVar aggregate classification (germline): Likely benign. Review status: criteria provided, single submitter (1 of 4 stars). 2 submissions from 2 submitters: Likely benign (1). 1 of the submissions does not count toward it. Last evaluated 2020-10-01.

Conditions:
KIDINS220-related disorder. Also called: KIDINS220-related condition.

gnomAD v4.1: 23 of 1,612,106 alleles (0.0014%); highest among the groups gnomAD compares: African/African-American, 0.0053%; no homozygotes.

Submissions (2):

Blueprint Genetics
Classification: Likely benign. Last evaluated: 2020-10-01. Review status: criteria provided, single submitter. Criteria: ACMG Guidelines, 2015. Collection method: clinical testing. Allele origin: germline.

PreventionGenetics, part of Exact Sciences
Classification: Likely benign for KIDINS220-related condition. Last evaluated: 2022-06-03. Review status: no assertion criteria provided. Collection method: clinical testing. Allele origin: germline. Not counted in ClinVar's aggregate classification.
Comment: This variant is classified as likely benign based on ACMG/AMP sequence variant interpretation guidelines (Richards et al. 2015 PMID: 25741868, with internal and published modifications).